The following is an entry in ClinVar:

NM_000138.5(FBN1):c.6953G>A (p.Cys2318Tyr)

Gene: FBN1 (fibrillin 1; minus strand). Cytogenetic location: 15q21.1.
Variant type: single nucleotide variant.
Coding change: c.6953G>A on transcript NM_000138.5 (MANE Select); coding-DNA position 6953, G replaced by A.
Protein change: p.Cys2318Tyr; replaces cysteine 2318 with tyrosine.
Molecular consequence: missense variant.
Genome position (GRCh38, 1-based): chr15:48,428,390, C>T on the plus strand (G>A on the coding strand, the complement: FBN1 is on the minus strand). VCF-style: chr15-48428390-C-T. GRCh37 (hg19) VCF-style: chr15-48720587-C-T.
Other names: short protein forms C2318Y.
Identifiers: ClinVar variation 449436 (VCV000449436.4), dbSNP rs1555394626, ClinGen allele CA392330600.

ClinVar aggregate classification (germline): Pathogenic. Review status: criteria provided, multiple submitters, no conflicts (2 of 4 stars). 3 submissions from 3 submitters: Pathogenic (2). 1 of the submissions does not count toward it. Last evaluated 2024-04-21.

Conditions:
Marfan syndrome (MFS). Also called: MARFAN SYNDROME, TYPE I; FBN1-Related Marfan Syndrome; Marfan syndrome type 1; Marfan's syndrome; Marfan syndrome, classic. Identifiers: Orphanet 284963, Orphanet 558, MedGen C0024796, MONDO:0007947, OMIM 154700.
Familial thoracic aortic aneurysm and aortic dissection (TAAD). Also called: Thoracic aortic aneurysms and dissections. Identifiers: Orphanet 91387, MedGen C4707243, MONDO:0019625.

Submissions (3):

Labcorp Genetics (formerly Invitae), Labcorp
Classification: Pathogenic for Marfan syndrome; Familial thoracic aortic aneurysm and aortic dissection. Last evaluated: 2024-04-21. Review status: criteria provided, single submitter. Criteria: Invitae Variant Classification Sherloc (09022015). Collection method: clinical testing. Allele origin: germline.
Comment: This sequence change replaces cysteine, which is neutral and slightly polar, with tyrosine, which is neutral and polar, at codon 2318 of the FBN1 protein (p.Cys2318Tyr). This variant is not present in population databases (gnomAD no frequency). This missense change has been observed in individual(s) with Marfan syndrome (PMID: 19293843). ClinVar contains an entry for this variant (Variation ID: 449436). Advanced modeling of protein sequence and biophysical properties (such as structural, functional, and spatial information, amino acid conservation, physicochemical variation, residue mobility, and thermodynamic stability) performed at Invitae indicates that this missense variant is expected to disrupt FBN1 protein function with a positive predictive value of 95%. Algorithms developed to predict the effect of sequence changes on RNA splicing suggest that this variant may create or strengthen a splice site. This variant affects a cysteine residue in the EGF-like, TGFBP or hybrid motif domains of FBN1. Cysteine residues are believed to be involved in intramolecular disulfide bridges and have been shown to be important for FBN1 protein structure (PMID: 16905551, 19349279). In addition, missense substitutions affecting cysteine residues within these domains are significantly overrepresented among patients with Marfan syndrome (PMID: 16571647, 17701892). For these reasons, this variant has been classified as Pathogenic.

GeneDx
Classification: Pathogenic. Last evaluated: 2017-09-21. Review status: criteria provided, single submitter. Criteria: GeneDx Variant Classification (06012015). Collection method: clinical testing. Allele origin: germline. Affected: yes.
Comment: The C2318Y pathogenic variant in the FBN1 gene has been reported in association with classic Marfan syndrome (Stheneur et al., 2009). This variant results in a non-conservative amino acid substitution at a position that is conserved across species. The C2318Y variant affects a cysteine residue within a calcium-binding EGF-like domain of the FBN1 gene, which may affect disulfide bonding and is predicted to alter the structure and function of the protein. Cysteine substitutions in the calcium-binding EGF-like domains represent the majority of pathogenic missense changes associated with Marfan syndrome (Collod-Beroud et al., 2003). Additionally, a missense variant at the same residue (C2318R) has been reported in association with Marfan syndrome (Baetens et al., 2011). Finally, the C2318Y variant is not observed in large population cohorts (Lek et al., 2016).

Center for Medical Genetics Ghent, University of Ghent
Classification: Likely pathogenic for Marfan syndrome. Last evaluated: 2017-11-07. Review status: no assertion criteria provided. Collection method: clinical testing. Allele origin: germline. Affected: yes. Not counted in ClinVar's aggregate classification.

Literature cited by the submitters: PubMed 19293843 (cited by Labcorp Genetics (formerly Invitae), Labcorp); PubMed 16905551 (cited by Labcorp Genetics (formerly Invitae), Labcorp); PubMed 19349279 (cited by Labcorp Genetics (formerly Invitae), Labcorp); PubMed 16571647 (cited by Labcorp Genetics (formerly Invitae), Labcorp); PubMed 17701892 (cited by Labcorp Genetics (formerly Invitae), Labcorp).